The following is an entry in ClinVar:

NM_004260.4(RECQL4):c.1412A>G (p.Gln471Arg)

Gene: RECQL4 (RecQ like helicase 4; minus strand). Cytogenetic location: 8q24.3.
Variant type: single nucleotide variant.
Coding change: c.1412A>G on transcript NM_004260.4 (MANE Select); coding-DNA position 1412, A replaced by G.
Protein change: p.Gln471Arg; replaces glutamine 471 with arginine.
Molecular consequence: missense variant.
Genome position (GRCh38, 1-based): chr8:144,515,221, T>C on the plus strand (A>G on the coding strand, the complement: RECQL4 is on the minus strand). VCF-style: chr8-144515221-T-C. GRCh37 (hg19) VCF-style: chr8-145740605-T-C.
Other names: short protein forms Q471R.
Identifiers: ClinVar variation 459325 (VCV000459325.6), dbSNP rs1162234134, ClinGen allele CA372684976.

ClinVar aggregate classification (germline): Uncertain significance. Review status: criteria provided, multiple submitters, no conflicts (2 of 4 stars). 2 submissions from 2 submitters: Uncertain significance (2). Last evaluated 2025-11-03.

Conditions:
Inborn genetic diseases. Identifiers: MedGen C0950123, MeSH D030342.
Baller-Gerold syndrome (BGS). Also called: CRANIOSYNOSTOSIS WITH RADIAL DEFECTS. Identifiers: Orphanet 1225, MedGen C0265308, MONDO:0009039, OMIM 218600.

Allele frequency attached by ClinVar (database versions not stated): TOPMed below 0.00001; gnomAD exomes 0.00001 and 0.00002.

Submissions (2):

Labcorp Genetics (formerly Invitae), Labcorp
Classification: Uncertain significance for Baller-Gerold syndrome. Last evaluated: 2025-11-03. Review status: criteria provided, single submitter. Criteria: Invitae Variant Classification Sherloc (09022015). Collection method: clinical testing. Allele origin: germline.
Comment: This sequence change replaces glutamine, which is neutral and polar, with arginine, which is basic and polar, at codon 471 of the RECQL4 protein (p.Gln471Arg). The frequency data for this variant in the population databases is considered unreliable, as metrics indicate poor data quality at this position in the gnomAD database. This variant has not been reported in the literature in individuals affected with RECQL4-related conditions. ClinVar contains an entry for this variant (Variation ID: 459325). Invitae Evidence Modeling of protein sequence and biophysical properties (such as structural, functional, and spatial information, amino acid conservation, physicochemical variation, residue mobility, and thermodynamic stability) indicates that this missense variant is not expected to disrupt RECQL4 protein function with a negative predictive value of 80%. In summary, the available evidence is currently insufficient to determine the role of this variant in disease. Therefore, it has been classified as a Variant of Uncertain Significance.

Ambry Genetics
Classification: Uncertain significance for Inborn genetic diseases. Last evaluated: 2025-01-03. Review status: criteria provided, single submitter. Criteria: Ambry Variant Classification Scheme 2023. Collection method: clinical testing. Allele origin: germline.
Comment: The p.Q471R variant (also known as c.1412A>G), located in coding exon 8 of the RECQL4 gene, results from an A to G substitution at nucleotide position 1412. The glutamine at codon 471 is replaced by arginine, an amino acid with highly similar properties. This amino acid position is conserved. In addition, this alteration is predicted to be tolerated by in silico analysis. Based on the available evidence, the clinical significance of this variant remains unclear.